The following is an entry in ClinVar:

ClinVar aggregate classification (germline): Uncertain significance (1 of 4 stars; one submission).

Conditions:
Ullrich congenital muscular dystrophy 1A. Also called: Ullrich congenital muscular dystrophy 1; Intermediate COL6-RD. Identifiers: Orphanet 75840, MedGen C0410179, MONDO:0009681, OMIM 254090.

Submission:

Neuberg Centre For Genomic Medicine, NCGM
Classification: Uncertain significance for Ullrich congenital muscular dystrophy 1A. Review status: criteria provided, single submitter. Criteria: ACMG Guidelines, 2015. Collection method: clinical testing. Allele origin: germline. Inheritance: Autosomal dominant inheritance. Affected: yes.
Comment: The missense variant p.G590E in COL6A1 (NM_001848.3) has not been reported previously as a pathogenic variant nor as a benign variant, to our knowledge. The p.G590E variant is novel (not in any individuals) in gnomAD Exomes and is novel (not in any individuals) in 1000 Genomes. The p.G590E missense variant is predicted to be damaging by both SIFT and PolyPhen2. The glutamic acid residue at codon 590 of COL6A1 is only present in a single other mammalian species: Horse. The nucleotide c.1769 in COL6A1 is predicted conserved by GERP++ and PhyloP across 100 vertebrates. For these reasons, this variant has been classified as Uncertain Significance.

NM_001848.3(COL6A1):c.1769G>A (p.Gly590Glu)

Gene: COL6A1 (collagen type VI alpha 1 chain; plus strand). Cytogenetic location: 21q22.3.
Variant type: single nucleotide variant.
Coding change: c.1769G>A on transcript NM_001848.3 (MANE Select); coding-DNA position 1769, G replaced by A.
Protein change: p.Gly590Glu; replaces glycine 590 with glutamic acid.
Molecular consequence: missense variant.
Genome position (GRCh38, 1-based): chr21:45,999,685, G>A. VCF-style: chr21-45999685-G-A. GRCh37 (hg19) VCF-style: chr21-47419599-G-A.
Other names: short protein forms G590E.
Identifiers: ClinVar variation 2627517 (VCV002627517.1), dbSNP rs2526341770, ClinGen allele CA410531005.
Genomic context (GRCh38, chr21:45,999,685, plus strand): 5'-CTCAGAGCTCCTCTACTCCGTTTCTCGGACAGGGACCCCCAGGACACCAAGGACCGCCTG[G>A]GCCGGACGTAAGTGGGGCTCTGTGAACATTGCTGGGGGCGACCACTGTAGCTTCCATCCC-3'
Protein context (NP_001839.2, residues 580-600): QGPPGHQGPP[Gly590Glu]PDECEILDII